The following is an entry in ClinVar:

ClinVar aggregate classification (germline): Uncertain significance (1 of 4 stars; one submission).

gnomAD v4.1: 5 of 1,610,006 alleles (0.00031%); highest among the groups gnomAD compares: Non-Finnish European, 0.00042%; no homozygotes.

Submission:

CeGaT Center for Human Genetics Tuebingen
Classification: Uncertain significance. Last evaluated: 2024-09-01. Review status: criteria provided, single submitter. Criteria: CeGaT Center For Human Genetics Tuebingen Variant Classification Criteria Version 2. Collection method: clinical testing. Allele origin: germline. Affected: yes. Observed: 1 variant allele.
Comment: DDHD2: PM2

NM_015214.3(DDHD2):c.508G>C (p.Val170Leu)

Gene: DDHD2 (DDHD domain containing 2; plus strand). Cytogenetic location: 8p11.23.
Variant type: single nucleotide variant.
Coding change: c.508G>C on transcript NM_015214.3 (MANE Select); coding-DNA position 508, G replaced by C.
Protein change: p.Val170Leu; replaces valine 170 with leucine.
Molecular consequence: missense variant. On other transcripts: non-coding transcript variant (2).
Genome position (GRCh38, 1-based): chr8:38,238,095, G>C. VCF-style: chr8-38238095-G-C. GRCh37 (hg19) VCF-style: chr8-38095613-G-C.
Other names: c.508G>C, p.Val170Leu (NM_001164232.2, NM_001164234.2, NM_001362911.2 and 3 more transcripts); short protein forms V170L.
Identifiers: ClinVar variation 3389733 (VCV003389733.14).